The following is an entry in ClinVar:

ClinVar aggregate classification (germline): Benign/Likely benign. Review status: criteria provided, multiple submitters, no conflicts (2 of 4 stars). 4 submissions from 4 submitters: Benign (2); Likely benign (2). Last evaluated 2026-02-02.

Allele frequency attached by ClinVar (database versions not stated): 1000 Genomes Project 30x 0.00016; ExAC 0.00030; gnomAD exomes 0.00050; 1000 Genomes Project 0.00060; gnomAD 0.04184.

Submissions (4):

Labcorp Genetics (formerly Invitae), Labcorp
Classification: Benign. Last evaluated: 2026-02-02. Review status: criteria provided, single submitter. Criteria: Invitae Variant Classification Sherloc (09022015). Collection method: clinical testing. Allele origin: germline.

CeGaT Center for Human Genetics Tuebingen
Classification: Likely benign. Last evaluated: 2025-08-01. Review status: criteria provided, single submitter. Criteria: CeGaT Center For Human Genetics Tuebingen Variant Classification Criteria Version 2. Collection method: clinical testing. Allele origin: germline. Affected: yes. Observed: 1 variant allele.
Comment: SON: BP4, BP7

Blueprint Genetics
Classification: Likely benign. Last evaluated: 2024-10-08. Review status: criteria provided, single submitter. Criteria: ACMG Guidelines, 2015. Collection method: clinical testing. Allele origin: germline.

Breakthrough Genomics
Classification: Benign. Review status: criteria provided, single submitter. Criteria: ACMG Guidelines, 2015. Collection method: not provided. Allele origin: germline. Inheritance: Autosomal dominant inheritance. Affected: yes.

NM_138927.4(SON):c.2397T>C (p.Ser799=)

Gene: SON (SON DNA and RNA binding protein; plus strand). Cytogenetic location: 21q22.11.
Variant type: single nucleotide variant.
Coding change: c.2397T>C on transcript NM_138927.4 (MANE Select); coding-DNA position 2397, T replaced by C.
Protein change: p.Ser799=; no amino-acid change (serine 799 retained).
Molecular consequence: synonymous variant. On other transcripts: non-coding transcript variant (1), intron variant (1).
Genome position (GRCh38, 1-based): chr21:33,551,628, T>C. VCF-style: chr21-33551628-T-C. GRCh37 (hg19) VCF-style: chr21-34923934-T-C.
Other names: c.2397T>C, p.Ser799= (NM_001291411.2, NM_032195.3); c.244+5249T>C (NM_001291412.3).
Identifiers: ClinVar variation 734297 (VCV000734297.19), dbSNP rs200724919, ClinGen allele CA10009098.